The following is an entry in ClinVar:

NM_003072.5(SMARCA4):c.1875G>T (p.Gly625=)

Gene: SMARCA4 (SWI/SNF related BAF chromatin remodeling complex subunit ATPase 4; plus strand). Cytogenetic location: 19p13.2.
Variant type: single nucleotide variant.
Coding change: c.1875G>T on transcript NM_003072.5 (MANE Select); coding-DNA position 1875, G replaced by T.
Protein change: p.Gly625=; no amino-acid change (glycine 625 retained).
Molecular consequence: synonymous variant. On other transcripts: non-coding transcript variant (1).
Genome position (GRCh38, 1-based): chr19:11,003,091, G>T. VCF-style: chr19-11003091-G-T. GRCh37 (hg19) VCF-style: chr19-11113767-G-T.
Other names: c.1875G>T, p.Gly625= (NM_001128844.3, NM_001128845.2, NM_001128846.2 and 4 more transcripts).
Identifiers: ClinVar variation 1002611 (VCV001002611.8), dbSNP rs2087810760, ClinGen allele CA505486289.
Genomic context (GRCh38, chr19:11,003,091, plus strand): 5'-TCTGGACGAGACCAGCCAGATGAGCGACCTCCCGGTGAAGGTGATCCACGTGGAGAGTGG[G>T]AAGATCCTCACAGGCACAGATGCCCCCAAAGCCGGGCAGCTGGAGGCCTGGCTCGAGATG-3'
Protein context (NP_003063.2, residues 615-635): LPVKVIHVES[Gly625=]KILTGTDAPK

ClinVar aggregate classification (germline): Uncertain significance (1 of 4 stars; one submission).

Conditions:
Rhabdoid tumor predisposition syndrome 2 (RTPS2). Identifiers: Orphanet 231108, Orphanet 69077, MedGen C2750074, MONDO:0013224, OMIM 613325.

Submission:

Labcorp Genetics (formerly Invitae), Labcorp
Classification: Uncertain significance for Rhabdoid tumor predisposition syndrome 2. Last evaluated: 2020-10-15. Review status: criteria provided, single submitter. Criteria: Invitae Variant Classification Sherloc (09022015). Collection method: clinical testing. Allele origin: germline.
Comment: This sequence change affects codon 625 of the SMARCA4 mRNA. It is a 'silent' change, meaning that it does not change the encoded amino acid sequence of the SMARCA4 protein. In summary, the available evidence is currently insufficient to determine the role of this variant in disease. Therefore, it has been classified as a Variant of Uncertain Significance. Algorithms developed to predict the effect of sequence changes on RNA splicing suggest that this variant may create or strengthen a splice site, but this prediction has not been confirmed by published transcriptional studies. This variant has not been reported in the literature in individuals with SMARCA4-related conditions. This variant is not present in population databases (ExAC no frequency).